The following is an entry in ClinVar:

NM_000238.4(KCNH2):c.550G>A (p.Gly184Ser)

Gene: KCNH2 (potassium voltage-gated channel subfamily H member 2; minus strand). Cytogenetic location: 7q36.1.
Variant type: single nucleotide variant.
Coding change: c.550G>A on transcript NM_000238.4 (MANE Select); coding-DNA position 550, G replaced by A.
Protein change: p.Gly184Ser; replaces glycine 184 with serine.
Molecular consequence: missense variant. On other transcripts: non-coding transcript variant (1).
Genome position (GRCh38, 1-based): chr7:150,958,425, C>T on the plus strand (G>A on the coding strand, the complement: KCNH2 is on the minus strand). VCF-style: chr7-150958425-C-T. GRCh37 (hg19) VCF-style: chr7-150655513-C-T.
Other names: c.262G>A, p.Gly88Ser (NM_001406753.1, NM_001406756.1); c.373G>A, p.Gly125Ser (NM_001406755.1); c.250G>A, p.Gly84Ser (NM_001406757.1); c.550G>A, p.Gly184Ser (NM_172056.3); short protein forms G84S, G184S, G125S, G88S.
Identifiers: ClinVar variation 2976495 (VCV002976495.3), dbSNP rs1801460053, ClinGen allele CA369863346.
Genomic context (GRCh38, chr7:150,958,425, plus strand): 5'-CCGCGGGCGTCAGGTCCACGTCCACCACCACGGCCCCCGGGGCGCCCGCGCCGCCCGCGC[C>T]GCCCGACCGCACCGACGACTCCCGGGCCGTCAGCGCCAGCAGCGCGGGCAGCTTCAGGCG-3'
Protein context (NP_000229.1, residues 174-194): TARESSVRSG[Gly184Ser]AGGAGAPGAV

ClinVar aggregate classification (germline): Uncertain significance (1 of 4 stars; one submission).

Conditions:
Long QT syndrome (LQTS). Identifiers: MedGen C0023976, MeSH D008133, MONDO:0002442. Disease mechanism: loss of function. Inheritance: Various modes of inheritance.

Submission:

Labcorp Genetics (formerly Invitae), Labcorp
Classification: Uncertain significance for Long QT syndrome. Last evaluated: 2025-10-01. Review status: criteria provided, single submitter. Criteria: Invitae Variant Classification Sherloc (09022015). Collection method: clinical testing. Allele origin: germline.
Comment: This sequence change replaces glycine, which is neutral and non-polar, with serine, which is neutral and polar, at codon 184 of the KCNH2 protein (p.Gly184Ser). This variant is not present in population databases (gnomAD no frequency). This variant has not been reported in the literature in individuals affected with KCNH2-related conditions. ClinVar contains an entry for this variant (Variation ID: 2976495). An algorithm developed to predict the effect of missense changes on protein structure and function outputs the following: PolyPhen-2: "Benign". The serine amino acid residue is found in multiple mammalian species, which suggests that this missense change does not adversely affect protein function. In summary, the available evidence is currently insufficient to determine the role of this variant in disease. Therefore, it has been classified as a Variant of Uncertain Significance.